The following is an entry in ClinVar:

NM_198239.2(CCN6):c.248G>A (p.Gly83Glu)

Gene: CCN6 (cellular communication network factor 6; plus strand). Cytogenetic location: 6q21.
Variant type: single nucleotide variant.
Coding change: c.248G>A on transcript NM_198239.2 (MANE Select); coding-DNA position 248, G replaced by A.
Protein change: p.Gly83Glu; replaces glycine 83 with glutamic acid.
Molecular consequence: missense variant. On other transcripts: non-coding transcript variant (2).
Genome position (GRCh38, 1-based): chr6:112,061,190, G>A. VCF-style: chr6-112061190-G-A. GRCh37 (hg19) VCF-style: chr6-112382393-G-A.
Other names: c.248G>A, p.Gly83Glu (NM_003880.4); short protein forms G83E.
Identifiers: ClinVar variation 638295 (VCV000638295.37), dbSNP rs147337485, ClinGen allele CA3963945.

ClinVar aggregate classification (germline): Benign/Likely benign. Review status: criteria provided, multiple submitters, no conflicts (2 of 4 stars). 7 submissions from 7 submitters: Benign (3); Likely benign (4). Last evaluated 2026-09-01.

Conditions:
Progressive pseudorheumatoid dysplasia (PPRD). Also called: SPONDYLOEPIPHYSEAL DYSPLASIA TARDA WITH PROGRESSIVE ARTHROPATHY; Progressive Pseudorheumatoid Arthropathy of Childhood. Identifiers: Orphanet 1159, MedGen C0432215, MONDO:0008827, OMIM 208230. Disease mechanism: loss of function.

Allele frequency attached by ClinVar (database versions not stated): ESP Exome Variant Server 0.00038; gnomAD 0.00039 and 0.00091; TOPMed 0.00042; gnomAD exomes 0.00140 and 0.00239; ExAC 0.00268; 1000 Genomes Project 30x 0.00359; 1000 Genomes Project 0.00399.
gnomAD v4.1: 2,191 of 1,614,180 alleles (0.14%); highest among the groups gnomAD compares: South Asian, 1.6%; 33 homozygotes.

Submissions (7):

CeGaT Center for Human Genetics Tuebingen
Classification: Benign. Last evaluated: 2026-09-01. Review status: criteria provided, single submitter. Criteria: CeGaT Center For Human Genetics Tuebingen Variant Classification Criteria Version 2. Collection method: clinical testing. Allele origin: germline. Affected: yes. Observed: 3 variant alleles.
Comment: CCN6: BS1, BS2

Labcorp Genetics (formerly Invitae), Labcorp
Classification: Benign. Last evaluated: 2026-02-01. Review status: criteria provided, single submitter. Criteria: Invitae Variant Classification Sherloc (09022015). Collection method: clinical testing. Allele origin: germline.

GeneDx
Classification: Likely benign. Last evaluated: 2022-03-14. Review status: criteria provided, single submitter. Criteria: GeneDx Variant Classification Process June 2021. Collection method: clinical testing. Allele origin: germline. Affected: yes.
Comment: This variant is associated with the following publications: (PMID: 16152649, 21528827, 23270760, 22987568, 27535533, 27291587)

SIB Swiss Institute of Bioinformatics
Classification: Likely benign for Progressive pseudorheumatoid dysplasia. Last evaluated: 2019-02-27. Review status: criteria provided, single submitter. Criteria: ACMG Guidelines, 2015. Collection method: curation. Allele origin: unknown.
Comment: This variant is interpreted as a Likely benign for Progressive pseudorheumatoid arthropathy of childhood, autosomal recessive. The following ACMG Tag(s) were applied: BS1 : Allele frequency is greater than expected for disorder. BP2 : Observed in trans with a pathogenic variant for a fully penetrant dominant gene/disorder or observed in cis with a pathogenic variant in any inheritance pattern (PMID:25988854; 16152649).

Illumina Laboratory Services, Illumina
Classification: Benign for Progressive pseudorheumatoid dysplasia. Last evaluated: 2017-04-27. Review status: criteria provided, single submitter. Criteria: ICSL Variant Classification Criteria 13 December 2019. Collection method: clinical testing. Allele origin: germline.
Comment: This variant was observed as part of a predisposition screen in an ostensibly healthy population. A literature search was performed for the gene, cDNA change, and amino acid change (where applicable). Publications were found based on this search. The evidence from the literature, in combination with allele frequency data from public databases where available, was sufficient to rule this variant out of causing disease. Therefore, this variant is classified as benign.

Breakthrough Genomics
Classification: Likely benign. Review status: criteria provided, single submitter. Criteria: ACMG Guidelines, 2015. Collection method: not provided. Allele origin: germline. Inheritance: Autosomal recessive inheritance. Affected: yes.

Broad Center for Mendelian Genomics, Broad Institute of MIT and Harvard
Classification: Likely benign for Progressive pseudorheumatoid dysplasia. Review status: criteria provided, single submitter. Criteria: ACMG Guidelines, 2015. Collection method: research. Allele origin: germline. Inheritance: Autosomal recessive inheritance. Affected: yes.
Comment: The p.Gly83Glu variant, sometimes called p.Gly101Glu due to a difference in cDNA numbering, in WISP3, has been identified in at least 14 individuals with progressive pseudorheumatoid dysplasia, segregated with disease in 5 relatives from 2 families (PMID: 22987568, 16152649, 23270760, 21528827), but has also been identified in >1% of South Asian chromosomes and 6 homozygotes by ExAC. However, this variant was seen in cis with an upstream nonsense variant (PMID: 21528827). In summary, although additional studies are required to fully establish its clinical significance, this variant meets criteria to be classified as likely benign for autosomal recessive progressive pseudorheumatoid dysplasia.

Literature cited by the submitters: PubMed 25988854 (cited by SIB Swiss Institute of Bioinformatics and Illumina Laboratory Services, Illumina); PubMed 16152649 (cited by 3 submitters); PubMed 23270760 (cited by Illumina Laboratory Services, Illumina and Broad Center for Mendelian Genomics, Broad Institute of MIT and Harvard); PubMed 21528827 (cited by Illumina Laboratory Services, Illumina and Broad Center for Mendelian Genomics, Broad Institute of MIT and Harvard); PubMed 22987568 (cited by Illumina Laboratory Services, Illumina and Broad Center for Mendelian Genomics, Broad Institute of MIT and Harvard); PubMed 22791401 (cited by Illumina Laboratory Services, Illumina).